The following is an entry in ClinVar:

ClinVar aggregate classification (germline): Benign (1 of 4 stars; one submission).

gnomAD v4.1: 4,316 of 1,519,880 alleles (0.28%); highest among the groups gnomAD compares: South Asian, 0.59%; 9 homozygotes.

Submission:

Mayo Clinic Laboratories, Mayo Clinic
Classification: Benign. Last evaluated: 2025-02-13. Review status: criteria provided, single submitter. Criteria: ACMG Guidelines, 2015. Collection method: clinical testing. Allele origin: germline. Observed: 1 variant allele.
Comment: BA1, BP4, BP7

NM_001875.5(CPS1):c.1263+30G>T

Gene: CPS1 (carbamoyl-phosphate synthase 1; plus strand). Cytogenetic location: 2q34.
Variant type: single nucleotide variant.
Coding change: c.1263+30G>T on transcript NM_001875.5 (MANE Select); 30 bases into the intron after coding-DNA position 1263, G replaced by T.
Molecular consequence: intron variant.
Genome position (GRCh38, 1-based): chr2:210,594,636, G>T. VCF-style: chr2-210594636-G-T. GRCh37 (hg19) VCF-style: chr2-211459360-G-T.
Other names: p.?; c.1263+30G>T (NM_001369257.1, NM_001122633.3); c.1296+30G>T (NM_001369256.1).
Identifiers: ClinVar variation 4684635 (VCV004684635.1).
Genomic context (GRCh38, chr2:210,594,636, plus strand): 5'-GAAGCCAGCACTAGTTGCATCTCGGGTTGAGGTCAGTATGTGGGCTTATTTTTGGTTTAT[G>T]AATTTTGGATTGTCCCTATCACATGAAGATTTTTAAAAACTAAGTGATGTAAGGCATACT-3'